The following is an entry in ClinVar:

NM_007294.4(BRCA1):c.529del (p.Ser177fs)

Gene: BRCA1 (BRCA1 DNA repair associated; minus strand). Cytogenetic location: 17q21.31.
Variant type: Deletion.
Coding change: c.529del on transcript NM_007294.4 (MANE Select); coding-DNA position 529, one base deleted (T; older notation c.529delT).
Protein change: p.Ser177fs; shifts the reading frame from serine 177.
Molecular consequence: frameshift variant. On other transcripts: non-coding transcript variant (1).
Genome position (GRCh38, 1-based): chr17:43,099,793, A deleted on the plus strand (T on the coding strand, the reverse complement: BRCA1 is on the minus strand). VCF-style (leftmost placement, unchanged base first): chr17-43099792-GA-G. GRCh37 (hg19) VCF-style: chr17-41251809-GA-G.
Other names: 648delT; c.526delT, p.Ser176Leufs (NM_001407670.1, NM_001407671.1, NM_001407672.1 and 65 more transcripts); c.529delT, p.Ser177Leufs (NM_001407674.1, NM_001407675.1, NM_001407676.1 and 95 more transcripts); c.388delT, p.Ser130Leufs (NM_001407692.1, NM_001407694.1, NM_001407695.1 and 60 more transcripts); c.385delT, p.Ser129Leufs (NM_001407740.1, NM_001407741.1, NM_001407742.1 and 35 more transcripts); c.316delT, p.Ser106Leufs (NM_001407853.1, NM_001407894.1, NM_001407895.1 and 18 more transcripts); c.451delT, p.Ser151Leufs (NM_001407862.1, NM_001408409.1, NM_001408411.1 and 12 more transcripts); c.448delT, p.Ser150Leufs (NM_001407874.1, NM_001407875.1, NM_001408413.1 and 6 more transcripts); and 7 more; short protein forms S177fs, S130fs.
Identifiers: ClinVar variation 55512 (VCV000055512.11), dbSNP rs80357758, ClinGen allele CA003453.

ClinVar aggregate classification (germline): Pathogenic. Review status: reviewed by expert panel (3 of 4 stars). 4 submissions from 4 submitters: Pathogenic (1). 3 of the submissions do not count toward it. Last evaluated 2016-09-08.

Conditions:
Hereditary breast ovarian cancer syndrome. Also called: BRCA1- and BRCA2-Associated Hereditary Breast and Ovarian Cancer; Hereditary breast and ovarian cancer syndrome; Hereditary breast and ovarian cancer syndrome (HBOC); Breast and ovarian cancer; Hereditary breast and/or ovarian cancer syndrome; Hereditary breast and ovarian cancer. Identifiers: Orphanet 145, MedGen C0677776, MeSH D061325, MONDO:0003582. Disease mechanism: loss of function.
Breast-ovarian cancer, familial, susceptibility to, 1 (BROVCA1). Also called: BRCA1 Hereditary Breast and Ovarian Cancer; OVARIAN CANCER, SUSCEPTIBILITY TO. Identifiers: Orphanet 145, MedGen C2676676, MONDO:0011450, OMIM 604370. Disease mechanism: loss of function.

Submissions (4):

Evidence-based Network for the Interpretation of Germline Mutant Alleles (ENIGMA)
Classification: Pathogenic for Breast-ovarian cancer, familial, susceptibility to, 1. Last evaluated: 2016-09-08. Review status: reviewed by expert panel. Criteria: ENIGMA BRCA1/2 Classification Criteria (2015). Collection method: curation. Allele origin: germline.
Comment: Variant allele predicted to encode a truncated non-functional protein.

Labcorp Genetics (formerly Invitae), Labcorp
Classification: Pathogenic for Hereditary breast ovarian cancer syndrome. Last evaluated: 2020-09-20. Review status: criteria provided, single submitter. Criteria: Invitae Variant Classification Sherloc (09022015). Collection method: clinical testing. Allele origin: germline. Not counted in ClinVar's aggregate classification.
Comment: This sequence change creates a premature translational stop signal (p.Ser177Leufs*57) in the BRCA1 gene. It is expected to result in an absent or disrupted protein product. For these reasons, this variant has been classified as Pathogenic. Loss-of-function variants in BRCA1 are known to be pathogenic (PMID: 20104584). This variant has not been reported in the literature in individuals with BRCA1-related conditions. ClinVar contains an entry for this variant (Variation ID: 55512). This variant is not present in population databases (ExAC no frequency).

Consortium of Investigators of Modifiers of BRCA1/2 (CIMBA), c/o University of Cambridge
Classification: Pathogenic for Breast-ovarian cancer, familial, susceptibility to, 1. Last evaluated: 2015-10-02. Review status: criteria provided, single submitter. Criteria: CIMBA Mutation Classification guidelines May 2016. Collection method: clinical testing. Allele origin: germline. Not counted in ClinVar's aggregate classification.

Breast Cancer Information Core (BIC) (BRCA1)
Classification: Pathogenic for Breast-ovarian cancer, familial 1. Last evaluated: 2003-12-23. Review status: no assertion criteria provided. Collection method: clinical testing. Allele origin: germline. Affected: yes. Observed: 1 variant allele. Not counted in ClinVar's aggregate classification.

Literature cited by the submitters: PubMed 20104584 (cited by Labcorp Genetics (formerly Invitae), Labcorp).